The following is an entry in ClinVar:

NM_000051.4(ATM):c.1935del (p.Ser646fs)

Gene: ATM (ATM serine/threonine kinase; plus strand). Cytogenetic location: 11q22.3.
Variant type: Deletion.
Coding change: c.1935del on transcript NM_000051.4 (MANE Select); coding-DNA position 1935, one base deleted (C; older notation c.1935delC).
Protein change: p.Ser646fs; shifts the reading frame from serine 646.
Molecular consequence: frameshift variant.
Genome position (GRCh38, 1-based): chr11:108,253,850, C deleted. VCF-style (leftmost placement, unchanged base first): chr11-108253849-TC-T. GRCh37 (hg19) VCF-style: chr11-108124576-TC-T.
Other names: c.1935del, p.Ser646fs (NM_001351834.2); short protein forms S646fs.
Identifiers: ClinVar variation 2674029 (VCV002674029.1), dbSNP rs2497310600, ClinGen allele CA2695199012.

ClinVar aggregate classification (germline): Pathogenic (1 of 4 stars; one submission).

Conditions:
Familial cancer of breast. Also called: Hereditary breast cancer; BREAST CANCER, FAMILIAL; hereditary breast carcinoma. Identifiers: Orphanet 227535, MedGen C0346153, MONDO:0016419, OMIM 114480. Disease mechanism: loss of function.

Submission:

Myriad Genetics, Inc.
Classification: Pathogenic for Familial cancer of breast. Last evaluated: 2023-12-11. Review status: criteria provided, single submitter. Criteria: Myriad Autosomal Dominant, Autosomal Recessive and X-Linked Classification Criteria (2023). Collection method: clinical testing. Allele origin: unknown.
Comment: This variant is considered pathogenic. This variant creates a frameshift predicted to result in premature protein truncation.